The following is an entry in ClinVar:

NM_014889.4(PITRM1):c.1634G>A (p.Arg545Gln)

Gene: PITRM1 (pitrilysin metallopeptidase 1; minus strand). Cytogenetic location: 10p15.2.
Variant type: single nucleotide variant.
Coding change: c.1634G>A on transcript NM_014889.4 (MANE Select); coding-DNA position 1634, G replaced by A.
Protein change: p.Arg545Gln; replaces arginine 545 with glutamine.
Molecular consequence: missense variant. On other transcripts: non-coding transcript variant (4).
Genome position (GRCh38, 1-based): chr10:3,151,351, C>T on the plus strand (G>A on the coding strand, the complement: PITRM1 is on the minus strand). VCF-style: chr10-3151351-C-T. GRCh37 (hg19) VCF-style: chr10-3193543-C-T.
Other names: c.1634G>A, p.Arg545Gln (NM_001242307.2, NM_001347725.2); c.1538G>A, p.Arg513Gln (NM_001242309.1); c.1019G>A, p.Arg340Gln (NM_001347726.2, NM_001347727.2); c.329G>A, p.Arg110Gln (NM_001347728.2); c.1610G>A, p.Arg537Gln (NM_001347729.1, NM_001347730.1); short protein forms R110Q, R545Q, R513Q, R537Q, R340Q.
Identifiers: ClinVar variation 1910198 (VCV001910198.6), dbSNP rs777344614, ClinGen allele CA5387752.
Genomic context (GRCh38, chr10:3,151,351, plus strand): 5'-ATATCGGAAACTTTCAACGCTGGCAGACAAGAGGCATCTTGAGGTTTGCTTTGTTGACTC[C>T]GTAATTCTAGACCTAAAAAAGAAACAAGAAAAAGGAATATTCAGGGCCATAATTAAAAGG-3'
Protein context (NP_055704.2, residues 535-555): QQIYEKGLEL[Arg545Gln]SQQSKPQDAS

ClinVar aggregate classification (germline): Uncertain significance. Review status: criteria provided, multiple submitters, no conflicts (2 of 4 stars). 2 submissions from 2 submitters: Uncertain significance (2). Last evaluated 2023-11-28.

Conditions:
Spinocerebellar ataxia, autosomal recessive 30. Identifiers: MedGen C5543620, MONDO:0030318, OMIM 619405.

Allele frequency attached by ClinVar (database versions not stated): TOPMed 0.00003; gnomAD 0.00004.

Submissions (2):

ARUP Laboratories, Molecular Genetics and Genomics, ARUP Laboratories
Classification: Uncertain significance for Spinocerebellar ataxia, autosomal recessive 30. Last evaluated: 2023-11-28. Review status: criteria provided, single submitter. Criteria: ARUP Molecular Germline Variant Investigation Process 2024. Collection method: clinical testing. Allele origin: germline.

Labcorp Genetics (formerly Invitae), Labcorp
Classification: Uncertain significance. Last evaluated: 2022-09-23. Review status: criteria provided, single submitter. Criteria: Invitae Variant Classification Sherloc (09022015). Collection method: clinical testing. Allele origin: germline.
Comment: This variant has not been reported in the literature in individuals affected with PITRM1-related conditions. In summary, the available evidence is currently insufficient to determine the role of this variant in disease. Therefore, it has been classified as a Variant of Uncertain Significance. Algorithms developed to predict the effect of missense changes on protein structure and function output the following: SIFT: "Tolerated"; PolyPhen-2: "Benign"; Align-GVGD: "Class C0". The glutamine amino acid residue is found in multiple mammalian species, which suggests that this missense change does not adversely affect protein function. The frequency data for this variant in the population databases is considered unreliable, as metrics indicate poor data quality at this position in the gnomAD database. This sequence change replaces arginine, which is basic and polar, with glutamine, which is neutral and polar, at codon 513 of the PITRM1 protein (p.Arg513Gln).